The following is an entry in ClinVar:

NM_152743.4(BRAT1):c.683G>A (p.Cys228Tyr)

Gene: BRAT1 (BRCA1 associated ATM activator 1; minus strand). Cytogenetic location: 7p22.3.
Variant type: single nucleotide variant.
Coding change: c.683G>A on transcript NM_152743.4 (MANE Select); coding-DNA position 683, G replaced by A.
Protein change: p.Cys228Tyr; replaces cysteine 228 with tyrosine.
Molecular consequence: missense variant. On other transcripts: non-coding transcript variant (1).
Genome position (GRCh38, 1-based): chr7:2,543,710, C>T on the plus strand (G>A on the coding strand, the complement: BRAT1 is on the minus strand). VCF-style: chr7-2543710-C-T. GRCh37 (hg19) VCF-style: chr7-2583344-C-T.
Other names: c.683G>A, p.Cys228Tyr (NM_001350626.2); c.158G>A, p.Cys53Tyr (NM_001350627.2); short protein forms C228Y, C53Y.
Identifiers: ClinVar variation 855058 (VCV000855058.7), dbSNP rs1367938873, ClinGen allele CA366631994.

ClinVar aggregate classification (germline): Uncertain significance (1 of 4 stars; one submission).

Conditions:
Neonatal-onset encephalopathy with rigidity and seizures. Also called: Lethal neonatal spasticity-epileptic encephalopathy syndrome. Identifiers: Orphanet 435845, MedGen C3281029, MONDO:0013784, OMIM 614498.

Allele frequency attached by ClinVar (database versions not stated): gnomAD exomes below 0.00001.
gnomAD v4.1: 1 of 1,579,672 alleles (0.000063%); highest among the groups gnomAD compares: Admixed American, 0.0017%; no homozygotes.

Submission:

Labcorp Genetics (formerly Invitae), Labcorp
Classification: Uncertain significance for Neonatal-onset encephalopathy with rigidity and seizures. Last evaluated: 2022-02-03. Review status: criteria provided, single submitter. Criteria: Invitae Variant Classification Sherloc (09022015). Collection method: clinical testing. Allele origin: germline.
Comment: This sequence change replaces cysteine, which is neutral and slightly polar, with tyrosine, which is neutral and polar, at codon 228 of the BRAT1 protein (p.Cys228Tyr). This variant is present in population databases (no rsID available, gnomAD 0.003%). This variant has not been reported in the literature in individuals affected with BRAT1-related conditions. ClinVar contains an entry for this variant (Variation ID: 855058). Algorithms developed to predict the effect of missense changes on protein structure and function are either unavailable or do not agree on the potential impact of this missense change (SIFT: "Deleterious"; PolyPhen-2: "Probably Damaging"; Align-GVGD: "Class C0"). In summary, the available evidence is currently insufficient to determine the role of this variant in disease. Therefore, it has been classified as a Variant of Uncertain Significance.